The following is an entry in ClinVar:

NM_006912.6(RIT1):c.68A>G (p.Lys23Arg)

Gene: RIT1 (Ras like without CAAX 1; minus strand). Cytogenetic location: 1q22.
Variant type: single nucleotide variant.
Coding change: c.68A>G on transcript NM_006912.6 (MANE Select); coding-DNA position 68, A replaced by G.
Protein change: p.Lys23Arg; replaces lysine 23 with arginine.
Molecular consequence: missense variant. On other transcripts: intron variant (1).
Genome position (GRCh38, 1-based): chr1:155,910,694, T>C on the plus strand (A>G on the coding strand, the complement: RIT1 is on the minus strand). VCF-style: chr1-155910694-T-C. GRCh37 (hg19) VCF-style: chr1-155880485-T-C.
Other names: c.119A>G, p.Lys40Arg (NM_001256821.2); c.-2-188A>G (NM_001256820.2); short protein forms K23R, K40R.
Identifiers: ClinVar variation 4991575 (VCV004991575.1).

ClinVar aggregate classification (germline): Uncertain significance (1 of 4 stars; one submission).

Conditions:
RIT1-related disorder. Also called: RIT1-related condition.

Submission:

PreventionGenetics, part of Exact Sciences
Classification: Uncertain significance for RIT1-related condition. Last evaluated: 2026-03-17. Review status: criteria provided, single submitter. Criteria: ACMG Guidelines, 2015. Collection method: clinical testing. Allele origin: germline.
Comment: The RIT1 c.119A>G variant is predicted to result in the amino acid substitution p.Lys40Arg. This variant has been reported in an individual with Noonan-like syndrome (referred to as p.Lys23Arg in Table S1, Papadopoulos et al. 2022. PubMed ID: 35904599). This variant is reported in 0.0033% of alleles in individuals of South Asian descent in gnomAD. Alternate missense changes at the same amino acid position (p.Lys23Gln, p.Lys23Glu, p.Lys23Asn) have been reported in individuals affected with Noonan syndrome (ClinVar IDs: 224122, 1695891, 3349333, 581105). Although we suspect that this variant may be pathogenic, at this time, the clinical significance of this variant is uncertain due to the absence of conclusive functional and genetic evidence.